The following is an entry in ClinVar:

ClinVar aggregate classification (germline): Uncertain significance (1 of 4 stars; one submission).

Conditions:
Hereditary breast ovarian cancer syndrome. Also called: BRCA1- and BRCA2-Associated Hereditary Breast and Ovarian Cancer; Breast and ovarian cancer; Hereditary breast and ovarian cancer; Hereditary breast and ovarian cancer syndrome (HBOC); Hereditary breast and ovarian cancer syndrome; Hereditary breast and/or ovarian cancer syndrome. Identifiers: Orphanet 145, MedGen C0677776, MeSH D061325, MONDO:0003582. Disease mechanism: loss of function.

Submission:

Labcorp Genetics (formerly Invitae), Labcorp
Classification: Uncertain significance for Hereditary breast ovarian cancer syndrome. Last evaluated: 2024-02-23. Review status: criteria provided, single submitter. Criteria: Invitae Variant Classification Sherloc (09022015). Collection method: clinical testing. Allele origin: germline.
Comment: This sequence change replaces glycine, which is neutral and non-polar, with aspartic acid, which is acidic and polar, at codon 1232 of the BRCA1 protein (p.Gly1232Asp). This variant is not present in population databases (gnomAD no frequency). This variant has not been reported in the literature in individuals affected with BRCA1-related conditions. Advanced modeling of protein sequence and biophysical properties (such as structural, functional, and spatial information, amino acid conservation, physicochemical variation, residue mobility, and thermodynamic stability) performed at Invitae indicates that this missense variant is not expected to disrupt BRCA1 protein function with a negative predictive value of 95%. In summary, the available evidence is currently insufficient to determine the role of this variant in disease. Therefore, it has been classified as a Variant of Uncertain Significance.

NM_007294.4(BRCA1):c.3695G>A (p.Gly1232Asp)

Genes: BRCA1 (BRCA1 DNA repair associated; minus strand), LOC126862571 (BRD4-independent group 4 enhancer GRCh37_chr17:41243136-41244335; plus strand). Cytogenetic location: 17q21.31.
Variant type: single nucleotide variant.
Coding change: c.3695G>A on transcript NM_007294.4 (MANE Select); coding-DNA position 3695, G replaced by A.
Protein change: p.Gly1232Asp; replaces glycine 1232 with aspartic acid.
Molecular consequence: missense variant. On other transcripts: intron variant (135).
Genome position (GRCh38, 1-based): chr17:43,091,836, C>T on the plus strand (G>A on the coding strand, the complement: BRCA1 is on the minus strand). VCF-style: chr17-43091836-C-T. GRCh37 (hg19) VCF-style: chr17-41243853-C-T.
Other names: c.3482G>A, p.Gly1161Asp (NM_001407571.1, NM_001407853.1, NM_001407894.1 and 9 more transcripts); c.3695G>A, p.Gly1232Asp (NM_001407581.1, NM_001407582.1, NM_001407583.1 and 30 more transcripts); c.3692G>A, p.Gly1231Asp (NM_001407587.1, NM_001407590.1, NM_001407591.1 and 22 more transcripts); c.3686G>A, p.Gly1229Asp (NM_001407646.1, NM_001407647.1); c.3572G>A, p.Gly1191Asp (NM_001407648.1, NM_001407664.1, NM_001407665.1 and 19 more transcripts); c.3569G>A, p.Gly1190Asp (NM_001407649.1, NM_001407670.1, NM_001407671.1 and 11 more transcripts); c.3617G>A, p.Gly1206Asp (NM_001407653.1, NM_001407654.1, NM_001407655.1 and 4 more transcripts); c.3614G>A, p.Gly1205Asp (NM_001407659.1, NM_001407660.1, NM_001407661.1 and 1 more transcripts); and 41 more; short protein forms G1104D, G1143D, G1161D, G1164D, G1231D, G364D, G936D, G1064D.
Identifiers: ClinVar variation 3699398 (VCV003699398.2).